The following is an entry in ClinVar:

NM_177438.3(DICER1):c.20A>G (p.Gln7Arg)

Gene: DICER1 (dicer 1, ribonuclease III; minus strand). Cytogenetic location: 14q32.13.
Variant type: single nucleotide variant.
Coding change: c.20A>G on transcript NM_177438.3 (MANE Select); coding-DNA position 20, A replaced by G.
Protein change: p.Gln7Arg; replaces glutamine 7 with arginine.
Molecular consequence: missense variant.
Genome position (GRCh38, 1-based): chr14:95,133,439, T>C on the plus strand (A>G on the coding strand, the complement: DICER1 is on the minus strand). VCF-style: chr14-95133439-T-C. GRCh37 (hg19) VCF-style: chr14-95599776-T-C.
Other names: c.20A>G, p.Gln7Arg (NM_001195573.1, NM_001271282.3, NM_001291628.2 and 1 more transcripts); short protein forms Q7R.
Identifiers: ClinVar variation 133962 (VCV000133962.88), dbSNP rs117358479, ClinGen allele CA332137.
Genomic context (GRCh38, chr14:95,133,439, plus strand): 5'-AAAGGACCCATTGGTGAGGAAGCAGGGGTCATGAGCTGCAGGCCTGCCATGCTGAGGGGT[T>C]GCAAAGCAGGGCTTTTCATTCATCCAGTGTTTCTTTCATTGCATTTTTGTTCTAGCACAG-3'
Protein context (NP_803187.1, residues 1-17): MKSPAL[Gln7Arg]PLSMAGLQLM

ClinVar aggregate classification (germline): Conflicting classifications of pathogenicity. Review status: criteria provided, conflicting classifications (1 of 4 stars). 22 submissions from 22 submitters: Uncertain significance (1); Benign (4); Likely benign (12). 5 of the submissions do not count toward it. Last evaluated 2026-07-01.

Conditions:
DICER1-related tumor predisposition. Also called: DICER1 syndrome; DICER1-related pleuropulmonary blastoma cancer predisposition syndrome. Identifiers: Orphanet 284343, MedGen C3839822, MONDO:0100216.
Hereditary cancer-predisposing syndrome. Also called: Neoplastic Syndromes, Hereditary; Tumor predisposition; Hereditary neoplastic syndrome; Hereditary Cancer Syndrome. Identifiers: Orphanet 140162, MedGen C0027672, MeSH D009386, MONDO:0015356.
Breast neoplasm. Also called: Neoplasm of the breast; Breast Neoplasms; Neoplasm of breast; Breast tumor. Identifiers: MedGen C1458155, MeSH D001943, MONDO:0021100, HP:0100013. Disease mechanism: gain of function.
Pleuropulmonary blastoma (PPB). Identifiers: Orphanet 64742, MedGen C1266144, MONDO:0011014, OMIM 601200, HP:0100528.

Allele frequency attached by ClinVar (database versions not stated): 1000 Genomes Project 0.00080; 1000 Genomes Project 30x 0.00109; gnomAD 0.00165 and 0.00167; gnomAD exomes 0.00169 and 0.00239; TOPMed 0.00175; ExAC 0.00181; ESP Exome Variant Server 0.00246.
gnomAD v4.1: 3,738 of 1,613,722 alleles (0.23%); highest among the groups gnomAD compares: Non-Finnish European, 0.28%; 5 homozygotes.

Submissions (22):

CeGaT Center for Human Genetics Tuebingen
Classification: Likely benign. Last evaluated: 2026-07-01. Review status: criteria provided, single submitter. Criteria: CeGaT Center For Human Genetics Tuebingen Variant Classification Criteria Version 2. Collection method: clinical testing. Allele origin: germline. Affected: yes. Observed: 37 variant alleles.
Comment: DICER1: BS1

Myriad Genetics, Inc.
Classification: Likely benign for DICER1-related tumor predisposition. Last evaluated: 2026-04-10. Review status: criteria provided, single submitter. Criteria: Myriad Autosomal Dominant, Autosomal Recessive and X-Linked Classification Criteria (2023). Collection method: clinical testing. Allele origin: unknown.
Comment: This variant is considered likely benign. This variant has been observed at a population frequency that is significantly greater than expected given the associated disease prevalence and penetrance.

Labcorp Genetics (formerly Invitae), Labcorp
Classification: Benign for DICER1-related tumor predisposition. Last evaluated: 2026-02-03. Review status: criteria provided, single submitter. Criteria: Invitae Variant Classification Sherloc (09022015). Collection method: clinical testing. Allele origin: germline.

Quest Diagnostics Nichols Institute San Juan Capistrano
Classification: Benign. Last evaluated: 2025-08-27. Review status: criteria provided, single submitter. Criteria: Quest Diagnostics criteria. Collection method: clinical testing. Allele origin: unknown.

Center for Genomic Medicine, Rigshospitalet, Copenhagen University Hospital
Classification: Likely benign. Last evaluated: 2025-03-04. Review status: criteria provided, single submitter. Criteria: ACMG Guidelines, 2015. Collection method: clinical testing. Allele origin: germline.

Blueprint Genetics
Classification: Likely benign. Last evaluated: 2024-11-27. Review status: criteria provided, single submitter. Criteria: ACMG Guidelines, 2015. Collection method: clinical testing. Allele origin: germline.

ARUP Laboratories, Molecular Genetics and Genomics, ARUP Laboratories
Classification: Likely benign. Last evaluated: 2023-11-11. Review status: criteria provided, single submitter. Criteria: ARUP Molecular Germline Variant Investigation Process 2024. Collection method: clinical testing. Allele origin: germline.

KCCC/NGS Laboratory, Kuwait Cancer Control Center
Classification: Benign for Pleuropulmonary blastoma. Last evaluated: 2023-07-07. Review status: criteria provided, single submitter. Criteria: ACMG Guidelines, 2015. Collection method: clinical testing. Allele origin: germline. Affected: yes.

Institute for Clinical Genetics, University Hospital TU Dresden, University Hospital TU Dresden
Classification: Uncertain significance. Last evaluated: 2021-11-03. Review status: criteria provided, single submitter. Criteria: ACMG Guidelines, 2015. Collection method: clinical testing. Allele origin: germline.

Sema4
Classification: Likely benign for Hereditary cancer-predisposing syndrome. Last evaluated: 2021-03-17. Review status: criteria provided, single submitter. Criteria: Sema4 Curation Guidelines. Collection method: curation. Allele origin: germline.

GeneDx
Classification: Likely benign. Last evaluated: 2020-07-20. Review status: criteria provided, single submitter. Criteria: GeneDx Variant Classification Process June 2021. Collection method: clinical testing. Allele origin: germline. Affected: yes.
Comment: This variant is associated with the following publications: (PMID: 24728327, 27320919, 28615371, 21266384)

Foulkes Cancer Genetics LDI, Lady Davis Institute for Medical Research
Classification: Likely benign. Last evaluated: 2019-07-01. Review status: criteria provided, single submitter. Criteria: ACMG Guidelines, 2015. Collection method: curation. Allele origin: unknown. Affected: yes. Observed: 1 variant allele.
Comment: ACMG criteria met: BS1, BS2, BP1, BP4, BP6

Mendelics
Classification: Likely benign for Pleuropulmonary blastoma. Last evaluated: 2019-05-28. Review status: criteria provided, single submitter. Criteria: Mendelics Assertion Criteria 2017. Collection method: clinical testing. Allele origin: unknown.

Ambry Genetics
Classification: Likely benign for Hereditary cancer-predisposing syndrome. Last evaluated: 2019-04-12. Review status: criteria provided, single submitter. Criteria: Ambry Variant Classification Scheme 2023. Collection method: clinical testing. Allele origin: germline.

Institute of Human Genetics, University of Leipzig Medical Center
Classification: Likely benign for Neoplasm of the breast. Last evaluated: 2019-01-01. Review status: criteria provided, single submitter. Criteria: ACMG Guidelines, 2015. Collection method: clinical testing. Allele origin: unknown. Affected: yes.
Comment: This variant was identified as compound heterozygous.

Illumina Laboratory Services, Illumina
Classification: Benign for Pleuropulmonary blastoma. Last evaluated: 2018-01-13. Review status: criteria provided, single submitter. Criteria: ICSL Variant Classification Criteria 13 December 2019. Collection method: clinical testing. Allele origin: germline.
Comment: This variant was observed in the ICSL laboratory as part of a predisposition screen in an ostensibly healthy population. It had not been previously curated by ICSL or reported in the Human Gene Mutation Database (HGMD: prior to June 1st, 2018), and was therefore a candidate for classification through an automated scoring system. Utilizing variant allele frequency, disease prevalence and penetrance estimates, and inheritance mode, an automated score was calculated to assess if this variant is too frequent to cause the disease. Based on the score and internal cut-off values, a variant classified as benign is not then subjected to further curation. The score for this variant resulted in a classification of benign for this disease.

Center for Pediatric Genomic Medicine, Children's Mercy Hospital and Clinics
Classification: Likely benign. Last evaluated: 2017-01-24. Review status: criteria provided, single submitter. Criteria: ACMG Guidelines, 2015. Collection method: clinical testing. Allele origin: germline.
ClinVar note: Converted during submission from Likely Benign to Likely benign.

ITMI
No classification provided. Condition: AllHighlyPenetrant. Last evaluated: 2013-09-19. Review status: no classification provided. Collection method: reference population. Allele origin: germline. Not counted in ClinVar's aggregate classification.
Comment: Please see associated publication for description of ethnicities

Clinical Genetics DNA and cytogenetics Diagnostics Lab, Erasmus MC, Erasmus Medical Center
Classification: Likely benign. Review status: no assertion criteria provided. Collection method: clinical testing. Allele origin: germline. Affected: yes. Study: VKGL Data-share Consensus. Not counted in ClinVar's aggregate classification.

Genome Diagnostics Laboratory, Amsterdam University Medical Center
Classification: Likely benign. Review status: no assertion criteria provided. Collection method: clinical testing. Allele origin: germline. Affected: yes. Study: VKGL Data-share Consensus. Not counted in ClinVar's aggregate classification.

Genome Diagnostics Laboratory, University Medical Center Utrecht
Classification: Likely benign. Review status: no assertion criteria provided. Collection method: clinical testing. Allele origin: germline. Affected: yes. Study: VKGL Data-share Consensus. Not counted in ClinVar's aggregate classification.

Joint Genome Diagnostic Labs from Nijmegen and Maastricht, Radboudumc and MUMC+
Classification: Likely benign. Review status: no assertion criteria provided. Collection method: clinical testing. Allele origin: germline. Affected: yes. Study: VKGL Data-share Consensus. Not counted in ClinVar's aggregate classification.

Literature cited by the submitters: PubMed 29474644 (cited by Quest Diagnostics Nichols Institute San Juan Capistrano and Foulkes Cancer Genetics LDI, Lady Davis Institute for Medical Research); PubMed 24728327 (cited by 3 submitters); PubMed 21266384 (cited by Quest Diagnostics Nichols Institute San Juan Capistrano and Ambry Genetics); PubMed 32714280 (cited by Center for Genomic Medicine, Rigshospitalet, Copenhagen University Hospital); PubMed 33718253 (cited by Center for Genomic Medicine, Rigshospitalet, Copenhagen University Hospital).